The following is an entry in ClinVar:

NM_020877.5(DNAH2):c.9765T>C (p.Tyr3255=)

Gene: DNAH2 (dynein axonemal heavy chain 2; plus strand). Cytogenetic location: 17p13.1.
Variant type: single nucleotide variant.
Coding change: c.9765T>C on transcript NM_020877.5 (MANE Select); coding-DNA position 9765, T replaced by C.
Protein change: p.Tyr3255=; no amino-acid change (tyrosine 3255 retained).
Molecular consequence: synonymous variant.
Genome position (GRCh38, 1-based): chr17:7,816,606, T>C. VCF-style: chr17-7816606-T-C. GRCh37 (hg19) VCF-style: chr17-7719924-T-C.
Identifiers: ClinVar variation 3024735 (VCV003024735.23), dbSNP rs142284666, ClinGen allele CA8358835.
Genomic context (GRCh38, chr17:7,816,606, plus strand): 5'-TGCGCTATACTCGAATCTCTCCCAGGTAGCTGAGAAACTGGAGATGCTAAAGAAACAGTA[T>C]GATGAGAAGCTGGCACAGAAGGAGGAGCTTCGCAAGAAGTCTGAAGAGATGGAGCTGAAG-3'
Protein context (NP_065928.2, residues 3245-3265): AEKLEMLKKQ[Tyr3255=]DEKLAQKEEL

ClinVar aggregate classification (germline): Likely benign. Review status: criteria provided, single submitter (1 of 4 stars). 2 submissions from 2 submitters: Likely benign (1). 1 of the submissions does not count toward it. Last evaluated 2024-01-01.

Conditions:
DNAH2-related disorder. Also called: DNAH2-related condition.

Allele frequency attached by ClinVar (database versions not stated): ESP Exome Variant Server 0.00023; gnomAD 0.00036; TOPMed 0.00038; ExAC 0.00043.
gnomAD v4.1: 845 of 1,614,170 alleles (0.052%); highest among the groups gnomAD compares: Middle Eastern, 0.066%; 3 homozygotes.

Submissions (2):

CeGaT Center for Human Genetics Tuebingen
Classification: Likely benign. Last evaluated: 2024-01-01. Review status: criteria provided, single submitter. Criteria: CeGaT Center For Human Genetics Tuebingen Variant Classification Criteria Version 2. Collection method: clinical testing. Allele origin: germline. Affected: yes. Observed: 1 variant allele.
Comment: DNAH2: BP4, BP7

PreventionGenetics, part of Exact Sciences
Classification: Likely benign for DNAH2-related condition. Last evaluated: 2019-08-27. Review status: no assertion criteria provided. Collection method: clinical testing. Allele origin: germline. Not counted in ClinVar's aggregate classification.
Comment: This variant is classified as likely benign based on ACMG/AMP sequence variant interpretation guidelines (Richards et al. 2015 PMID: 25741868, with internal and published modifications).